The following is an entry in ClinVar:

ClinVar aggregate classification (germline): Likely benign. Review status: criteria provided, multiple submitters, no conflicts (2 of 4 stars). 2 submissions from 2 submitters: Likely benign (2). Last evaluated 2025-03-10.

Conditions:
Early-infantile DEE. Also called: Ohtahara syndrome; Early infantile epileptic encephalopathy with suppression bursts; Early infantile epileptic encephalopathy. Identifiers: Orphanet 1934, MedGen C0393706, MONDO:0800491.
KCNH5-related disorder. Also called: KCNH5-related condition.

Allele frequency attached by ClinVar (database versions not stated): ExAC 0.00008; gnomAD exomes 0.00010; TOPMed 0.00011; gnomAD 0.00018.
gnomAD v4.1: 84 of 1,326,650 alleles (0.0063%); highest among the groups gnomAD compares: Admixed American, 0.046%; no homozygotes.

Submissions (2):

Labcorp Genetics (formerly Invitae), Labcorp
Classification: Likely benign for Early-infantile DEE. Last evaluated: 2025-03-10. Review status: criteria provided, single submitter. Criteria: Invitae Variant Classification Sherloc (09022015). Collection method: clinical testing. Allele origin: germline.

PreventionGenetics, part of Exact Sciences
Classification: Likely benign for KCNH5-related condition. Last evaluated: 2024-10-07. Review status: criteria provided, single submitter. Criteria: ACMG Guidelines, 2015. Collection method: clinical testing. Allele origin: germline.
Comment: This variant is classified as likely benign based on ACMG/AMP sequence variant interpretation guidelines (Richards et al. 2015 PMID: 25741868, with internal and published modifications).

NM_139318.5(KCNH5):c.198-10T>C

Gene: KCNH5 (potassium voltage-gated channel subfamily H member 5; minus strand). Cytogenetic location: 14q23.2.
Variant type: single nucleotide variant.
Coding change: c.198-10T>C on transcript NM_139318.5 (MANE Select); 10 bases into the intron before coding-DNA position 198, T replaced by C.
Molecular consequence: intron variant.
Genome position (GRCh38, 1-based): chr14:63,006,482, A>G on the plus strand (T>C on the coding strand, the complement: KCNH5 is on the minus strand). VCF-style: chr14-63006482-A-G. GRCh37 (hg19) VCF-style: chr14-63473200-A-G.
Other names: c.198-10T>C (NM_172375.3).
Identifiers: ClinVar variation 700276 (VCV000700276.12), dbSNP rs767054080, ClinGen allele CA7217727.
Genomic context (GRCh38, chr14:63,006,482, plus strand): 5'-TGCCTGACTTTCTCAATGGTCTTCTTGTCAGTCAATTCCCCATACATAAAACTGGGGGGG[A>G]AAAAAAACAAACAATCGATTTCACTTTTGTGTTGCCTTTCAAATGCTACAAAAATCATAT-3'